The following is an entry in ClinVar:

ClinVar aggregate classification (germline): Benign/Likely benign. Review status: criteria provided, multiple submitters, no conflicts (2 of 4 stars). 5 submissions from 5 submitters: Benign (1); Likely benign (4). Last evaluated 2025-12-28.

Conditions:
Mitochondrial complex II deficiency, nuclear type 1. Also called: SUCCINATE CoQ REDUCTASE DEFICIENCY. Identifiers: Orphanet 3208, MedGen C5700310, MONDO:0100294, OMIM 252011.
Pheochromocytoma/paraganglioma syndrome 5. Also called: Paragangliomas 5; SDHA-Related Hereditary Paraganglioma-Pheochromocytoma Syndrome. Identifiers: Orphanet 29072, MedGen C3279992, MONDO:0013602, OMIM 614165.
Hereditary cancer-predisposing syndrome. Also called: Hereditary neoplastic syndrome; Tumor predisposition; Neoplastic Syndromes, Hereditary; Hereditary Cancer Syndrome. Identifiers: Orphanet 140162, MedGen C0027672, MeSH D009386, MONDO:0015356.

Allele frequency attached by ClinVar (database versions not stated): ExAC 0.00005; TOPMed 0.00001; gnomAD exomes 0.00004.

Submissions (5):

Labcorp Genetics (formerly Invitae), Labcorp
Classification: Likely benign for Pheochromocytoma/paraganglioma syndrome 5; Mitochondrial complex II deficiency, nuclear type 1. Last evaluated: 2025-12-28. Review status: criteria provided, single submitter. Criteria: Invitae Variant Classification Sherloc (09022015). Collection method: clinical testing. Allele origin: germline.

Myriad Genetics, Inc.
Classification: Benign for Pheochromocytoma/paraganglioma syndrome 5. Last evaluated: 2025-03-04. Review status: criteria provided, single submitter. Criteria: Myriad Autosomal Dominant, Autosomal Recessive and X-Linked Classification Criteria (2023). Collection method: clinical testing. Allele origin: unknown.
Comment: This variant is considered benign. This variant is a silent/synonymous amino acid change and it is not expected to impact splicing.

CeGaT Center for Human Genetics Tuebingen
Classification: Likely benign. Last evaluated: 2024-12-01. Review status: criteria provided, single submitter. Criteria: CeGaT Center For Human Genetics Tuebingen Variant Classification Criteria Version 2. Collection method: clinical testing. Allele origin: germline. Affected: yes. Observed: 1 variant allele.
Comment: SDHA: BP4, BP7

Sema4
Classification: Likely benign for Hereditary cancer-predisposing syndrome. Last evaluated: 2020-10-09. Review status: criteria provided, single submitter. Criteria: Sema4 Curation Guidelines. Collection method: curation. Allele origin: germline.

Ambry Genetics
Classification: Likely benign for Hereditary cancer-predisposing syndrome. Last evaluated: 2019-08-01. Review status: criteria provided, single submitter. Criteria: Ambry Variant Classification Scheme 2023. Collection method: clinical testing. Allele origin: germline.

NM_004168.4(SDHA):c.957T>C (p.Ile319=)

Gene: SDHA (succinate dehydrogenase complex flavoprotein subunit A; plus strand). Cytogenetic location: 5p15.33.
Variant type: single nucleotide variant.
Coding change: c.957T>C on transcript NM_004168.4 (MANE Select); coding-DNA position 957, T replaced by C.
Protein change: p.Ile319=; no amino-acid change (isoleucine 319 retained).
Molecular consequence: synonymous variant.
Genome position (GRCh38, 1-based): chr5:233,538, T>C. VCF-style: chr5-233538-T-C. GRCh37 (hg19) VCF-style: chr5-233653-T-C.
Other names: c.813T>C, p.Ile271= (NM_001294332.2); c.957T>C, p.Ile319= (NM_001330758.2).
Identifiers: ClinVar variation 472420 (VCV000472420.30), dbSNP rs757167466, ClinGen allele CA3173043.